The following is an entry in ClinVar:

ClinVar aggregate classification (germline): Uncertain significance (1 of 4 stars; one submission).

Conditions:
Cardiovascular phenotype. Identifiers: MedGen CN230736.

gnomAD v4.1: 8 of 1,596,154 alleles (0.0005%); highest among the groups gnomAD compares: Non-Finnish European, 0.00068%; no homozygotes.

Submission:

Ambry Genetics
Classification: Uncertain significance for Cardiovascular phenotype. Last evaluated: 2026-03-12. Review status: criteria provided, single submitter. Criteria: Ambry Variant Classification Scheme 2023. Collection method: clinical testing. Allele origin: germline.
Comment: The p.E1463K variant (also known as c.4387G>A), located in coding exon 11 of the TNXB gene, results from a G to A substitution at nucleotide position 4387. The glutamic acid at codon 1463 is replaced by lysine, an amino acid with similar properties. This amino acid position is conserved. In addition, this alteration is predicted to be tolerated by in silico analysis. Based on the available evidence, the clinical significance of this variant remains unclear.

NM_001365276.2(TNXB):c.4387G>A (p.Glu1463Lys)

Gene: TNXB (tenascin XB; minus strand). Cytogenetic location: 6p21.33.
Variant type: single nucleotide variant.
Coding change: c.4387G>A on transcript NM_001365276.2 (MANE Select); coding-DNA position 4387, G replaced by A.
Protein change: p.Glu1463Lys; replaces glutamic acid 1463 with lysine.
Molecular consequence: missense variant.
Genome position (GRCh38, 1-based): chr6:32,073,941, C>T on the plus strand (G>A on the coding strand, the complement: TNXB is on the minus strand). VCF-style: chr6-32073941-C-T. GRCh37 (hg19) VCF-style: chr6-32041718-C-T.
Other names: c.5128G>A, p.Glu1710Lys (NM_001428335.1); c.4387G>A, p.Glu1463Lys (NM_019105.8); short protein forms E1463K, E1710K.
Identifiers: ClinVar variation 4826815 (VCV004826815.1).